The following is an entry in ClinVar:

NM_016004.5(IFT52):c.717G>A (p.Trp239Ter)

Gene: IFT52 (intraflagellar transport 52; plus strand). Cytogenetic location: 20q13.12.
Variant type: single nucleotide variant.
Coding change: c.717G>A on transcript NM_016004.5 (MANE Select); coding-DNA position 717, G replaced by A.
Protein change: p.Trp239Ter; replaces tryptophan 239 with a stop codon.
Molecular consequence: nonsense.
Genome position (GRCh38, 1-based): chr20:43,620,874, G>A. VCF-style: chr20-43620874-G-A. GRCh37 (hg19) VCF-style: chr20-42249514-G-A.
Other names: c.717G>A, p.Trp239Ter (NM_001303458.3, NM_001303459.3); c.189G>A, p.Trp63Ter (NM_001323578.2, NM_001323580.2); c.66G>A, p.Trp22Ter (NM_001323579.2, NM_001323581.2); short protein forms W22*, W239*, W63*.
Identifiers: ClinVar variation 4850434 (VCV004850434.1).

ClinVar aggregate classification (germline): Likely pathogenic (1 of 4 stars; one submission).

Conditions:
Short-rib thoracic dysplasia 16 with or without polydactyly (SRTD16). Identifiers: MedGen C4310718, MONDO:0014915, OMIM 617102.

gnomAD v4.1: 6 of 1,611,050 alleles (0.00037%); highest among the groups gnomAD compares: East Asian, 0.013%; no homozygotes.

Submission:

First Genomix Gene Laboratory, Genetic Diagnostics Department
Classification: Likely pathogenic for Short-rib thoracic dysplasia 16 with or without polydactyly. Last evaluated: 2025-09-24. Review status: criteria provided, single submitter. Criteria: ACMG Guidelines, 2015. Collection method: clinical testing. Allele origin: germline. Inheritance: Autosomal recessive inheritance. Affected: no. Observed: 1 variant allele.